The following is an entry in ClinVar:

ClinVar aggregate classification (germline): Uncertain significance (1 of 4 stars; one submission).

Conditions:
Hereditary cancer-predisposing syndrome. Also called: Neoplastic Syndromes, Hereditary; Tumor predisposition; Hereditary neoplastic syndrome; Hereditary Cancer Syndrome. Identifiers: Orphanet 140162, MedGen C0027672, MeSH D009386, MONDO:0015356.

Submission:

Ambry Genetics
Classification: Uncertain significance for Hereditary cancer-predisposing syndrome. Last evaluated: 2026-09-01. Review status: criteria provided, single submitter. Criteria: Ambry Variant Classification Scheme 2023. Collection method: clinical testing. Allele origin: germline.
Comment: The p.N1183D variant (also known as c.3547A>G), located in coding exon 23 of the RAD50 gene, results from an A to G substitution at nucleotide position 3547. The asparagine at codon 1183 is replaced by aspartic acid, an amino acid with highly similar properties. This amino acid position is conserved. In addition, this alteration is predicted to be tolerated by in silico analysis. Based on the available evidence, the clinical significance of this variant remains unclear.

NM_005732.4(RAD50):c.3547A>G (p.Asn1183Asp)

Genes: RAD50 (RAD50 double strand break repair protein; plus strand), TH2-LCR (Th2 cytokine locus control region; plus strand), TH2LCRR (T helper type 2 locus control region associated RNA; minus strand). Cytogenetic location: 5q31.1.
Variant type: single nucleotide variant.
Coding change: c.3547A>G on transcript NM_005732.4 (MANE Select); coding-DNA position 3547, A replaced by G.
Protein change: p.Asn1183Asp; replaces asparagine 1183 with aspartic acid.
Molecular consequence: missense variant. On other transcripts: non-coding transcript variant (2).
Genome position (GRCh38, 1-based): chr5:132,638,152, A>G. VCF-style: chr5-132638152-A-G. GRCh37 (hg19) VCF-style: chr5-131973844-A-G.
Other names: short protein forms N1183D.
Identifiers: ClinVar variation 5027741 (VCV005027741.1).
Genomic context (GRCh38, chr5:132,638,152, plus strand): 5'-ATAGAAATACGGTCTGATGCCGATGAAAATGTATCAGCTTCTGATAAAAGGCGGAATTAT[A>G]ACTACCGAGTGGTGATGCTGAAGGGAGACACAGCCTTGGATATGCGAGGACGATGCAGTG-3'
Protein context (NP_005723.2, residues 1173-1193): VSASDKRRNY[Asn1183Asp]YRVVMLKGDT